The following is an entry in ClinVar:

NM_152269.5(MTRFR):c.207_220del (p.Pro70fs)

Gene: MTRFR (mitochondrial translation release factor in rescue; plus strand). Cytogenetic location: 12q24.31.
Variant type: Deletion.
Coding change: c.207_220del on transcript NM_152269.5 (MANE Select); coding-DNA positions 207 to 220, 14 bases deleted (TCCAGGGGGCCAGG).
Protein change: p.Pro70fs; shifts the reading frame from proline 70.
Molecular consequence: frameshift variant.
Genome position (GRCh38, 1-based): chr12:123,253,881-123,253,894, TCCAGGGGGCCAGG deleted; deleting any 14 consecutive bases within chr12:123,253,879-123,253,894 gives the same sequence; the c. name uses the placement nearest the transcript's 3' end. VCF-style (leftmost placement, unchanged base first): chr12-123253878-CGGTCCAGGGGGCCA-C. GRCh37 (hg19) VCF-style: chr12-123738425-CGGTCCAGGGGGCCA-C.
Other names: c.207_220del, p.Pro70fs (NM_001143905.2, NM_001194995.1); short protein forms P70fs.
Identifiers: ClinVar variation 1878304 (VCV001878304.3), dbSNP rs1380513950, ClinGen allele CA684680441.

ClinVar aggregate classification (germline): Pathogenic. Review status: criteria provided, multiple submitters, no conflicts (2 of 4 stars). 3 submissions from 3 submitters: Pathogenic (3). Last evaluated 2026-08-06.

Conditions:
Combined oxidative phosphorylation defect type 7. Identifiers: Orphanet 254930, MedGen C3150801, MONDO:0013306, OMIM 613559.
Spastic paraplegia. Identifiers: MedGen C0037772, HP:0001258.

Submissions (3):

OLLIN Analises Genomicas, OLLIN
Classification: Pathogenic. Last evaluated: 2026-08-06. Review status: criteria provided, single submitter. Criteria: ACMG Guidelines 2015 PMID 25741868. Collection method: clinical testing. Allele origin: germline.
Comment: This frameshift variant, located in exon 2 (of 3), has been reported in ClinVar (accession VCV001878304.2) and in gnomAD with an allele frequency of 0.00012%. However, to our knowledge, it has not been reported in the scientific literature. This variant causes a frameshift and introduces a premature stop codon, which is predicted to result in either a truncated protein or degradation of the mRNA via nonsense-mediated decay (NMD). According to the currently available evidence, this variant has been classified as pathogenic (PVS1, PM2_P, PM3_S).

Labcorp Genetics (formerly Invitae), Labcorp
Classification: Pathogenic for Combined oxidative phosphorylation defect type 7; Spastic paraplegia. Last evaluated: 2025-10-24. Review status: criteria provided, single submitter. Criteria: Invitae Variant Classification Sherloc (09022015). Collection method: clinical testing. Allele origin: germline.
Comment: This sequence change creates a premature translational stop signal (p.Pro70Asnfs*28) in the C12orf65 gene. While this is not anticipated to result in nonsense mediated decay, it is expected to disrupt the last 97 amino acid(s) of the C12orf65 protein. This variant is not present in population databases (gnomAD no frequency). This premature translational stop signal has been observed in individual(s) with clinical features of combined oxidative phosphorylation deficiency (PMID: 32478789, 34440436). ClinVar contains an entry for this variant (Variation ID: 1878304). This variant disrupts a region of the C12orf65 protein in which other variant(s) (p.Arg132*) have been determined to be pathogenic (PMID: 23188110, 28091420, 30369941, 31753091). This suggests that this is a clinically significant region of the protein, and that variants that disrupt it are likely to be disease-causing. For these reasons, this variant has been classified as Pathogenic.

Women's Health and Genetics/Laboratory Corporation of America, LabCorp
Classification: Pathogenic for Combined oxidative phosphorylation defect type 7. Last evaluated: 2022-12-14. Review status: criteria provided, single submitter. Criteria: LabCorp Variant Classification Summary - May 2015. Collection method: clinical testing. Allele origin: germline.
Comment: Variant summary: C12orf65 c.207_220del14 (p.Pro70AsnfsX28) results in a premature termination codon, predicted to cause a truncation of the encoded protein or absence of the protein due to nonsense mediated decay, which are commonly known mechanisms for disease. Truncations downstream of this position have been cited as pathogenic and disease-associated in ClinVar and HGMD. The variant was absent in 251352 control chromosomes (gnomAD). c.207_220del14 has been reported in the literature in homozygous individuals affected with Combined Oxidative Phosphorylation Defect Type 7 (Perrone_2020, Barbosa-Gouveia_2021). These data indicate that the variant is likely to be associated with disease. No clinical diagnostic laboratories have submitted clinical-significance assessments for this variant to ClinVar after 2014. Based on the evidence outlined above, the variant was classified as pathogenic.

Literature cited by the submitters: PubMed 32478789 (cited by Labcorp Genetics (formerly Invitae), Labcorp and Women's Health and Genetics/Laboratory Corporation of America, LabCorp); PubMed 34440436 (cited by Labcorp Genetics (formerly Invitae), Labcorp and Women's Health and Genetics/Laboratory Corporation of America, LabCorp); PubMed 23188110 (cited by Labcorp Genetics (formerly Invitae), Labcorp); PubMed 28091420 (cited by Labcorp Genetics (formerly Invitae), Labcorp); PubMed 30369941 (cited by Labcorp Genetics (formerly Invitae), Labcorp); PubMed 31753091 (cited by Labcorp Genetics (formerly Invitae), Labcorp).